The following is an entry in ClinVar:

ClinVar aggregate classification (germline): Pathogenic/Likely pathogenic. Review status: criteria provided, multiple submitters, no conflicts (2 of 4 stars). 5 submissions from 5 submitters: Pathogenic (4); Likely pathogenic (1). Last evaluated 2024-06-10.

Conditions:
Usher syndrome type 2A. Also called: RETINAL DISEASE IN USHER SYNDROME TYPE IIA, MODIFIER OF; USHER SYNDROME, TYPE IIA. Identifiers: Orphanet 231178, Orphanet 886, MedGen C1848634, MONDO:0010169, OMIM 276901.
USH2A-related disorder. Also called: USH2A-related condition; USH2A-related disorders. Identifiers: MedGen CN239332.

Submissions (5):

Blueprint Genetics
Classification: Likely pathogenic for USH2A-related disorders. Last evaluated: 2024-06-10. Review status: criteria provided, single submitter. Criteria: ACMG Guidelines, 2015. Collection method: clinical testing. Allele origin: germline. Affected: yes. Observed: 2 variant alleles.

Genome-Nilou Lab
Classification: Pathogenic for Usher syndrome type 2A. Last evaluated: 2023-11-04. Review status: criteria provided, single submitter. Criteria: ACMG Guidelines, 2015. Collection method: clinical testing. Allele origin: germline. Affected: no.

Labcorp Genetics (formerly Invitae), Labcorp
Classification: Pathogenic. Last evaluated: 2023-08-21. Review status: criteria provided, single submitter. Criteria: Invitae Variant Classification Sherloc (09022015). Collection method: clinical testing. Allele origin: germline.
Comment: For these reasons, this variant has been classified as Pathogenic. ClinVar contains an entry for this variant (Variation ID: 1331342). This variant has not been reported in the literature in individuals affected with USH2A-related conditions. This variant is not present in population databases (gnomAD no frequency). This sequence change creates a premature translational stop signal (p.Leu2873*) in the USH2A gene. It is expected to result in an absent or disrupted protein product. Loss-of-function variants in USH2A are known to be pathogenic (PMID: 10729113, 10909849, 20507924, 25649381).

CeGaT Center for Human Genetics Tuebingen
Classification: Pathogenic. Last evaluated: 2023-04-01. Review status: criteria provided, single submitter. Criteria: CeGaT Center For Human Genetics Tuebingen Variant Classification Criteria Version 2. Collection method: clinical testing. Allele origin: germline. Affected: yes. Observed: 1 variant allele.
Comment: USH2A: PVS1, PM2

Institute of Human Genetics, University of Goettingen
Classification: Pathogenic for Usher syndrome type 2A. Last evaluated: 2022-01-05. Review status: criteria provided, single submitter. Criteria: ACMG Guidelines, 2015. Collection method: clinical testing. Allele origin: germline. Inheritance: Autosomal recessive inheritance. Affected: yes. Observed: 1 compound heterozygote.
Comment: The variant is not described elsewhere. It result in a premature stop codon and was classified as pathogenic with ACMG criteria PVS1_vstr, PM2, PP3.

Literature cited by the submitters: PubMed 10729113 (cited by Labcorp Genetics (formerly Invitae), Labcorp); PubMed 10909849 (cited by Labcorp Genetics (formerly Invitae), Labcorp); PubMed 20507924 (cited by Labcorp Genetics (formerly Invitae), Labcorp); PubMed 25649381 (cited by Labcorp Genetics (formerly Invitae), Labcorp).

NM_206933.4(USH2A):c.8618T>G (p.Leu2873Ter)

Gene: USH2A (usherin; minus strand). Cytogenetic location: 1q41.
Variant type: single nucleotide variant.
Coding change: c.8618T>G on transcript NM_206933.4 (MANE Select); coding-DNA position 8618, T replaced by G.
Protein change: p.Leu2873Ter; replaces leucine 2873 with a stop codon.
Molecular consequence: nonsense.
Genome position (GRCh38, 1-based): chr1:215,877,821, A>C on the plus strand (T>G on the coding strand, the complement: USH2A is on the minus strand). VCF-style: chr1-215877821-A-C. GRCh37 (hg19) VCF-style: chr1-216051163-A-C.
Other names: short protein forms L2873*.
Identifiers: ClinVar variation 1331342 (VCV001331342.35), dbSNP rs2102450764, ClinGen allele CA344829450.